The following is an entry in ClinVar:

NM_000245.4(MET):c.3236A>C (p.His1079Pro)

Gene: MET (MET proto-oncogene, receptor tyrosine kinase; plus strand). Cytogenetic location: 7q31.2.
Variant type: single nucleotide variant.
Coding change: c.3236A>C on transcript NM_000245.4 (MANE Select); coding-DNA position 3236, A replaced by C.
Protein change: p.His1079Pro; replaces histidine 1079 with proline.
Molecular consequence: missense variant.
Genome position (GRCh38, 1-based): chr7:116,775,088, A>C. VCF-style: chr7-116775088-A-C. GRCh37 (hg19) VCF-style: chr7-116415142-A-C.
Other names: c.3290A>C, p.His1097Pro (NM_001127500.3); c.1946A>C, p.His649Pro (NM_001324402.2); c.3290A>C (NM_001127500.1); short protein forms H1079P, H1097P, H649P.
Identifiers: ClinVar variation 1483965 (VCV001483965.7), dbSNP rs758292223, ClinGen allele CA368988768.

ClinVar aggregate classification (germline): Uncertain significance. Review status: criteria provided, multiple submitters, no conflicts (2 of 4 stars). 2 submissions from 2 submitters: Uncertain significance (2). Last evaluated 2026-03-25.

Conditions:
Hereditary cancer-predisposing syndrome. Also called: Tumor predisposition; Neoplastic Syndromes, Hereditary; Hereditary Cancer Syndrome; Hereditary neoplastic syndrome. Identifiers: Orphanet 140162, MedGen C0027672, MeSH D009386, MONDO:0015356.
Renal cell carcinoma. Identifiers: Orphanet 217071, MedGen C0007134, MeSH D002292, MONDO:0005086, HP:0005584.

Submissions (2):

Ambry Genetics
Classification: Uncertain significance for Hereditary cancer-predisposing syndrome. Last evaluated: 2026-03-25. Review status: criteria provided, single submitter. Criteria: Ambry Variant Classification Scheme 2023. Collection method: clinical testing. Allele origin: germline.
Comment: The p.H1097P variant (also known as c.3290A>C), located in coding exon 14 of the MET gene, results from an A to C substitution at nucleotide position 3290. The histidine at codon 1097 is replaced by proline, an amino acid with similar properties. This amino acid position is highly conserved in available vertebrate species. In addition, this alteration is predicted to be deleterious by in silico analysis. Based on the available evidence, the clinical significance of this variant remains unclear.

Labcorp Genetics (formerly Invitae), Labcorp
Classification: Uncertain significance for Renal cell carcinoma. Last evaluated: 2024-06-14. Review status: criteria provided, single submitter. Criteria: Invitae Variant Classification Sherloc (09022015). Collection method: clinical testing. Allele origin: germline.
Comment: This sequence change replaces histidine, which is basic and polar, with proline, which is neutral and non-polar, at codon 1097 of the MET protein (p.His1097Pro). This variant is not present in population databases (gnomAD no frequency). This variant has not been reported in the literature in individuals affected with MET-related conditions. ClinVar contains an entry for this variant (Variation ID: 1483965). Advanced modeling of protein sequence and biophysical properties (such as structural, functional, and spatial information, amino acid conservation, physicochemical variation, residue mobility, and thermodynamic stability) performed at Invitae indicates that this missense variant is expected to disrupt MET protein function with a positive predictive value of 80%. In summary, the available evidence is currently insufficient to determine the role of this variant in disease. Therefore, it has been classified as a Variant of Uncertain Significance.